The following is an entry in ClinVar:

ClinVar aggregate classification (germline): Uncertain significance (1 of 4 stars; one submission).

Conditions:
Hereditary cancer-predisposing syndrome. Also called: Neoplastic Syndromes, Hereditary; Hereditary Cancer Syndrome; Hereditary neoplastic syndrome; Tumor predisposition. Identifiers: Orphanet 140162, MedGen C0027672, MeSH D009386, MONDO:0015356.

Submission:

Ambry Genetics
Classification: Uncertain significance for Hereditary cancer-predisposing syndrome. Last evaluated: 2025-08-08. Review status: criteria provided, single submitter. Criteria: Ambry Variant Classification Scheme 2023. Collection method: clinical testing. Allele origin: germline.
Comment: The p.T512N variant (also known as c.1535C>A), located in coding exon 13 of the MRE11A gene, results from a C to A substitution at nucleotide position 1535. The threonine at codon 512 is replaced by asparagine, an amino acid with similar properties. This amino acid position is conserved. In addition, this alteration is predicted to be tolerated by in silico analysis. Since supporting evidence is limited at this time, the clinical significance of this alteration remains unclear.

NM_005591.4(MRE11):c.1535C>A (p.Thr512Asn)

Gene: MRE11 (MRE11 double strand break repair nuclease; minus strand). Cytogenetic location: 11q21.
Variant type: single nucleotide variant.
Coding change: c.1535C>A on transcript NM_005591.4 (MANE Select); coding-DNA position 1535, C replaced by A.
Protein change: p.Thr512Asn; replaces threonine 512 with asparagine.
Molecular consequence: missense variant.
Genome position (GRCh38, 1-based): chr11:94,456,304, G>T on the plus strand (C>A on the coding strand, the complement: MRE11 is on the minus strand). VCF-style: chr11-94456304-G-T. GRCh37 (hg19) VCF-style: chr11-94189470-G-T.
Other names: c.1535C>A, p.Thr512Asn (NM_001330347.2, NM_005590.4); short protein forms T512N.
Identifiers: ClinVar variation 2565893 (VCV002565893.3), dbSNP rs781438010, ClinGen allele CA382370752.